The following is an entry in ClinVar:

ClinVar aggregate classification (germline): Uncertain significance (1 of 4 stars; one submission).

Conditions:
KSR2-related disorder. Also called: KSR2-related condition.

gnomAD v4.1: 3 of 1,613,978 alleles (0.00019%); highest among the groups gnomAD compares: Middle Eastern, 0.016%; no homozygotes.

Submission:

PreventionGenetics, part of Exact Sciences
Classification: Uncertain significance for KSR2-related condition. Last evaluated: 2026-08-12. Review status: criteria provided, single submitter. Criteria: ACMG Guidelines, 2015. Collection method: clinical testing. Allele origin: germline.
Comment: The KSR2 c.2344G>A variant is predicted to result in the amino acid substitution p.Gly782Arg. To our knowledge, this variant has not been reported in the literature or in a large population database (gnomAD), indicating this variant is rare. At this time, the clinical significance of this variant is uncertain due to the absence of conclusive functional and genetic evidence.

NM_173598.6(KSR2):c.2431G>A (p.Gly811Arg)

Gene: KSR2 (kinase suppressor of ras 2; minus strand). Cytogenetic location: 12q24.22.
Variant type: single nucleotide variant.
Coding change: c.2431G>A on transcript NM_173598.6 (MANE Select); coding-DNA position 2431, G replaced by A.
Protein change: p.Gly811Arg; replaces glycine 811 with arginine.
Molecular consequence: missense variant.
Genome position (GRCh38, 1-based): chr12:117,484,435, C>T on the plus strand (G>A on the coding strand, the complement: KSR2 is on the minus strand). VCF-style: chr12-117484435-C-T. GRCh37 (hg19) VCF-style: chr12-117922240-C-T.
Other names: short protein forms G811R.
Identifiers: ClinVar variation 4996472 (VCV004996472.1).